The following is an entry in ClinVar:

ClinVar aggregate classification (germline): Uncertain significance (1 of 4 stars; one submission).

Conditions:
Myofibrillar myopathy 5. Also called: Filaminopathy (type); FILAMINOPATHY, AUTOSOMAL DOMINANT. Identifiers: Orphanet 171445, MedGen C1836050, MONDO:0012289, OMIM 609524.
Distal myopathy with posterior leg and anterior hand involvement. Also called: WILLIAMS DISTAL MYOPATHY. Identifiers: Orphanet 63273, MedGen C3279722, MONDO:0013550, OMIM 614065.
Hypertrophic cardiomyopathy 26. Also called: Cardiomyopathy, familial hypertrophic, 26. Identifiers: Orphanet 75249, MedGen C4310749, MONDO:0014883, OMIM 617047.

Allele frequency attached by ClinVar (database versions not stated): ExAC 0.00001; gnomAD exomes 0.00001.
gnomAD v4.1: 3 of 1,606,750 alleles (0.00019%); highest among the groups gnomAD compares: Non-Finnish European, 0.00026%; no homozygotes.

Submission:

Labcorp Genetics (formerly Invitae), Labcorp
Classification: Uncertain significance for Distal myopathy with posterior leg and anterior hand involvement; Myofibrillar myopathy 5; Hypertrophic cardiomyopathy 26. Last evaluated: 2025-06-22. Review status: criteria provided, single submitter. Criteria: Invitae Variant Classification Sherloc (09022015). Collection method: clinical testing. Allele origin: germline.
Comment: This sequence change replaces lysine, which is basic and polar, with glutamine, which is neutral and polar, at codon 1518 of the FLNC protein (p.Lys1518Gln). This variant is present in population databases (rs778417108, gnomAD 0.003%). This variant has not been reported in the literature in individuals affected with FLNC-related conditions. ClinVar contains an entry for this variant (Variation ID: 1482092). Invitae Evidence Modeling of protein sequence and biophysical properties (such as structural, functional, and spatial information, amino acid conservation, physicochemical variation, residue mobility, and thermodynamic stability) has been performed for this missense variant. However, the output from this modeling did not meet the statistical confidence thresholds required to predict the impact of this variant on FLNC protein function. In summary, the available evidence is currently insufficient to determine the role of this variant in disease. Therefore, it has been classified as a Variant of Uncertain Significance.

NM_001458.5(FLNC):c.4552A>C (p.Lys1518Gln)

Gene: FLNC (filamin C; plus strand). Cytogenetic location: 7q32.1.
Variant type: single nucleotide variant.
Coding change: c.4552A>C on transcript NM_001458.5 (MANE Select); coding-DNA position 4552, A replaced by C.
Protein change: p.Lys1518Gln; replaces lysine 1518 with glutamine.
Molecular consequence: missense variant.
Genome position (GRCh38, 1-based): chr7:128,848,040, A>C. VCF-style: chr7-128848040-A-C. GRCh37 (hg19) VCF-style: chr7-128488094-A-C.
Other names: c.4552A>C, p.Lys1518Gln (NM_001127487.2); short protein forms K1518Q.
Identifiers: ClinVar variation 1482092 (VCV001482092.7), dbSNP rs778417108, ClinGen allele CA4475375.